The following is an entry in ClinVar:

ClinVar aggregate classification (germline): Uncertain significance (1 of 4 stars; one submission).

Conditions:
Brugada syndrome 8 (BRGDA8). Identifiers: Orphanet 130, MedGen C2751083, MONDO:0013148, OMIM 613123.

Allele frequency attached by ClinVar (database versions not stated): TOPMed below 0.00001; gnomAD 0.00001.
gnomAD v4.1: 2 of 1,564,546 alleles (0.00013%); highest among the groups gnomAD compares: Admixed American, 0.0019%; no homozygotes.

Submission:

Labcorp Genetics (formerly Invitae), Labcorp
Classification: Uncertain significance for Brugada syndrome 8. Last evaluated: 2025-04-17. Review status: criteria provided, single submitter. Criteria: Invitae Variant Classification Sherloc (09022015). Collection method: clinical testing. Allele origin: germline.
Comment: This sequence change replaces glycine, which is neutral and non-polar, with serine, which is neutral and polar, at codon 1124 of the HCN4 protein (p.Gly1124Ser). The frequency data for this variant in the population databases is considered unreliable, as metrics indicate poor data quality at this position in the gnomAD database. This variant has not been reported in the literature in individuals affected with HCN4-related conditions. ClinVar contains an entry for this variant (Variation ID: 2962317). Invitae Evidence Modeling of protein sequence and biophysical properties (such as structural, functional, and spatial information, amino acid conservation, physicochemical variation, residue mobility, and thermodynamic stability) indicates that this missense variant is not expected to disrupt HCN4 protein function with a negative predictive value of 95%. In summary, the available evidence is currently insufficient to determine the role of this variant in disease. Therefore, it has been classified as a Variant of Uncertain Significance.

NM_005477.3(HCN4):c.3370G>A (p.Gly1124Ser)

Gene: HCN4 (hyperpolarization activated cyclic nucleotide gated potassium channel 4; minus strand). Cytogenetic location: 15q24.1.
Variant type: single nucleotide variant.
Coding change: c.3370G>A on transcript NM_005477.3 (MANE Select); coding-DNA position 3370, G replaced by A.
Protein change: p.Gly1124Ser; replaces glycine 1124 with serine.
Molecular consequence: missense variant.
Genome position (GRCh38, 1-based): chr15:73,322,723, C>T on the plus strand (G>A on the coding strand, the complement: HCN4 is on the minus strand). VCF-style: chr15-73322723-C-T. GRCh37 (hg19) VCF-style: chr15-73615064-C-T.
Other names: short protein forms G1124S.
Identifiers: ClinVar variation 2962317 (VCV002962317.3), dbSNP rs1193125461, ClinGen allele CA393085462.